The following is an entry in ClinVar:

NM_018474.6(KIZ):c.1871C>T (p.Pro624Leu)

Gene: KIZ (kizuna centrosomal protein; plus strand). Cytogenetic location: 20p11.23.
Variant type: single nucleotide variant.
Coding change: c.1871C>T on transcript NM_018474.6 (MANE Select); coding-DNA position 1871, C replaced by T.
Protein change: p.Pro624Leu; replaces proline 624 with leucine.
Molecular consequence: missense variant.
Genome position (GRCh38, 1-based): chr20:21,232,821, C>T. VCF-style: chr20-21232821-C-T. GRCh37 (hg19) VCF-style: chr20-21213459-C-T.
Other names: c.1562C>T, p.Pro521Leu (NM_001163022.3); c.1472C>T, p.Pro491Leu (NM_001163023.3); c.1724C>T, p.Pro575Leu (NM_001276389.2); c.1817C>T, p.Pro606Leu (NM_001352434.2); c.1508C>T, p.Pro503Leu (NM_001352435.2); c.1529C>T, p.Pro510Leu (NM_001352436.2); short protein forms P624L, P491L, P503L, P521L, P575L, P510L, P606L.
Identifiers: ClinVar variation 1953187 (VCV001953187.5), dbSNP rs6047317, ClinGen allele CA312987259.

ClinVar aggregate classification (germline): Uncertain significance (1 of 4 stars; one submission).

Allele frequency attached by ClinVar (database versions not stated): gnomAD exomes below 0.00001.
gnomAD v4.1: 2 of 1,514,766 alleles (0.00013%); highest among the groups gnomAD compares: Non-Finnish European, 0.00018%; no homozygotes.

Submission:

Labcorp Genetics (formerly Invitae), Labcorp
Classification: Uncertain significance. Last evaluated: 2022-10-13. Review status: criteria provided, single submitter. Criteria: Invitae Variant Classification Sherloc (09022015). Collection method: clinical testing. Allele origin: germline.
Comment: This sequence change replaces proline, which is neutral and non-polar, with leucine, which is neutral and non-polar, at codon 624 of the KIZ protein (p.Pro624Leu). The frequency data for this variant in the population databases is considered unreliable, as metrics indicate poor data quality at this position in the gnomAD database. This variant has not been reported in the literature in individuals affected with KIZ-related conditions. Experimental studies and prediction algorithms are not available or were not evaluated, and the functional significance of this variant is currently unknown. In summary, the available evidence is currently insufficient to determine the role of this variant in disease. Therefore, it has been classified as a Variant of Uncertain Significance.